The following is an entry in ClinVar:

ClinVar aggregate classification (germline): Benign (1 of 4 stars; one submission).

Conditions:
Congenital fibrosis of extraocular muscles type 1. Also called: OPHTHALMOPLEGIA, CONGENITAL; FEOM1 LOCUS; BLEPHAROPTOSIS WITH ABSENT EYE MOVEMENTS; CFEOM3B. Identifiers: MedGen C1851102, MONDO:0021083, OMIM 135700.

Allele frequency attached by ClinVar (database versions not stated): gnomAD exomes 0.00001; TOPMed 0.00001; gnomAD 0.00001; ExAC 0.00002.
gnomAD v4.1: 9 of 1,613,322 alleles (0.00056%); highest among the groups gnomAD compares: East Asian, 0.0045%; no homozygotes.

Submission:

Illumina Laboratory Services, Illumina
Classification: Benign for Congenital fibrosis of extraocular muscles type 1. Last evaluated: 2018-01-13. Review status: criteria provided, single submitter. Criteria: ICSL Variant Classification Criteria 13 December 2019. Collection method: clinical testing. Allele origin: germline.
Comment: This variant was observed in the ICSL laboratory as part of a predisposition screen in an ostensibly healthy population. It had not been previously curated by ICSL or reported in the Human Gene Mutation Database (HGMD: prior to June 1st, 2018), and was therefore a candidate for classification through an automated scoring system. Utilizing variant allele frequency, disease prevalence and penetrance estimates, and inheritance mode, an automated score was calculated to assess if this variant is too frequent to cause the disease. Based on the score and internal cut-off values, a variant classified as benign is not then subjected to further curation. The score for this variant resulted in a classification of benign for this disease.

NM_001173464.2(KIF21A):c.3842G>A (p.Arg1281His)

Gene: KIF21A (kinesin family member 21A; minus strand). Cytogenetic location: 12q12.
Variant type: single nucleotide variant.
Coding change: c.3842G>A on transcript NM_001173464.2 (MANE Select); coding-DNA position 3842, G replaced by A.
Protein change: p.Arg1281His; replaces arginine 1281 with histidine.
Molecular consequence: missense variant.
Genome position (GRCh38, 1-based): chr12:39,318,139, C>T on the plus strand (G>A on the coding strand, the complement: KIF21A is on the minus strand). VCF-style: chr12-39318139-C-T. GRCh37 (hg19) VCF-style: chr12-39711941-C-T.
Other names: c.3782G>A, p.Arg1261His (NM_001173463.2); c.3734G>A, p.Arg1245His (NM_001173465.2); c.3842G>A, p.Arg1281His (NM_001378439.1, NM_001378440.1); c.3803G>A, p.Arg1268His (NM_001378441.1, NM_017641.4); short protein forms R1268H, R1245H, R1281H, R1261H.
Identifiers: ClinVar variation 883400 (VCV000883400.4), dbSNP rs747176706, ClinGen allele CA6510397.
Genomic context (GRCh38, chr12:39,318,139, plus strand): 5'-TGCTGAACTGATGTGTTTCCCTGAGAAACAGTAAGACGATTAAAAACATTCAGTTCATTA[C>T]GGGGCCGGCTTGGTGGGGAAGAAGGAGGTGAAAGACTAGCCTCTGAAGTTCCAGAATCTG-3'
Protein context (NP_001166935.1, residues 1271-1291): SPPSSPPSRP[Arg1281His]NELNVFNRLT